The following is an entry in ClinVar:

NM_004320.6(ATP2A1):c.2632G>A (p.Glu878Lys)

Gene: ATP2A1 (ATPase sarcoplasmic/endoplasmic reticulum Ca2+ transporting 1; plus strand). Cytogenetic location: 16p11.2.
Variant type: single nucleotide variant.
Coding change: c.2632G>A on transcript NM_004320.6 (MANE Select); coding-DNA position 2632, G replaced by A.
Protein change: p.Glu878Lys; replaces glutamic acid 878 with lysine.
Molecular consequence: missense variant.
Genome position (GRCh38, 1-based): chr16:28,902,799, G>A. VCF-style: chr16-28902799-G-A. GRCh37 (hg19) VCF-style: chr16-28914120-G-A.
Other names: c.2257G>A, p.Glu753Lys (NM_001286075.2); c.2632G>A, p.Glu878Lys (NM_173201.5); c.2632G>A (NM_173201.4); short protein forms E878K, E753K.
Identifiers: ClinVar variation 570845 (VCV000570845.5), dbSNP rs760650232, ClinGen allele CA7987341.

ClinVar aggregate classification (germline): Uncertain significance. Review status: criteria provided, multiple submitters, no conflicts (2 of 4 stars). 2 submissions from 2 submitters: Uncertain significance (2). Last evaluated 2024-01-19.

Conditions:
Brody myopathy. Also called: BRODY DISEASE. Identifiers: Orphanet 53347, MedGen C1832918, MONDO:0010977, OMIM 601003.

Allele frequency attached by ClinVar (database versions not stated): gnomAD 0.00001; TOPMed 0.00001; ExAC 0.00002; gnomAD exomes 0.00002.
gnomAD v4.1: 20 of 1,613,794 alleles (0.0012%); highest among the groups gnomAD compares: African/African-American, 0.004%; no homozygotes.

Submissions (2):

Revvity Omics, Revvity
Classification: Uncertain significance for Brody myopathy. Last evaluated: 2024-01-19. Review status: criteria provided, single submitter. Criteria: ACMG Guidelines, 2015. Collection method: clinical testing. Allele origin: germline.

Labcorp Genetics (formerly Invitae), Labcorp
Classification: Uncertain significance for Brody myopathy. Last evaluated: 2022-08-06. Review status: criteria provided, single submitter. Criteria: Invitae Variant Classification Sherloc (09022015). Collection method: clinical testing. Allele origin: germline.
Comment: This sequence change replaces glutamic acid, which is acidic and polar, with lysine, which is basic and polar, at codon 878 of the ATP2A1 protein (p.Glu878Lys). This variant is present in population databases (rs760650232, gnomAD 0.01%). This variant has not been reported in the literature in individuals affected with ATP2A1-related conditions. ClinVar contains an entry for this variant (Variation ID: 570845). Algorithms developed to predict the effect of missense changes on protein structure and function (SIFT, PolyPhen-2, Align-GVGD) all suggest that this variant is likely to be tolerated. In summary, the available evidence is currently insufficient to determine the role of this variant in disease. Therefore, it has been classified as a Variant of Uncertain Significance.